The following is an entry in ClinVar:

ClinVar aggregate classification (germline): Uncertain significance (1 of 4 stars; one submission).

Conditions:
Cardiovascular phenotype. Identifiers: MedGen CN230736.

gnomAD v4.1: 3 of 1,610,728 alleles (0.00019%); highest among the groups gnomAD compares: Non-Finnish European, 0.00025%; no homozygotes.

Submission:

Ambry Genetics
Classification: Uncertain significance for Cardiovascular phenotype. Last evaluated: 2025-12-30. Review status: criteria provided, single submitter. Criteria: Ambry Variant Classification Scheme 2023. Collection method: clinical testing. Allele origin: germline.
Comment: The p.G2387W variant (also known as c.7159G>T), located in coding exon 19 of the TNXB gene, results from a G to T substitution at nucleotide position 7159. The glycine at codon 2387 is replaced by tryptophan, an amino acid with highly dissimilar properties. This amino acid position is conserved. In addition, this alteration is predicted to be tolerated by in silico analysis. Based on the available evidence, the clinical significance of this variant remains unclear.

NM_001365276.2(TNXB):c.7159G>T (p.Gly2387Trp)

Gene: TNXB (tenascin XB; minus strand). Cytogenetic location: 6p21.33.
Variant type: single nucleotide variant.
Coding change: c.7159G>T on transcript NM_001365276.2 (MANE Select); coding-DNA position 7159, G replaced by T.
Protein change: p.Gly2387Trp; replaces glycine 2387 with tryptophan.
Molecular consequence: missense variant.
Genome position (GRCh38, 1-based): chr6:32,062,166, C>A on the plus strand (G>T on the coding strand, the complement: TNXB is on the minus strand). VCF-style: chr6-32062166-C-A. GRCh37 (hg19) VCF-style: chr6-32029943-C-A.
Other names: c.7900G>T, p.Gly2634Trp (NM_001428335.1); c.7159G>T, p.Gly2387Trp (NM_019105.8); short protein forms G2387W, G2634W.
Identifiers: ClinVar variation 4842873 (VCV004842873.1).